The following is an entry in ClinVar:

ClinVar aggregate classification (germline): Conflicting classifications of pathogenicity. Review status: criteria provided, conflicting classifications (1 of 4 stars). 2 submissions from 2 submitters: Uncertain significance (1); Likely benign (1). Last evaluated 2025-05-03.

Conditions:
Hereditary cancer-predisposing syndrome. Also called: Hereditary Cancer Syndrome; Hereditary neoplastic syndrome; Neoplastic Syndromes, Hereditary; Tumor predisposition. Identifiers: Orphanet 140162, MedGen C0027672, MeSH D009386, MONDO:0015356.

gnomAD v4.1: 1 of 1,596,160 alleles (0.000063%); highest among the groups gnomAD compares: South Asian, 0.0011%; no homozygotes.

Submissions (2):

Ambry Genetics
Classification: Uncertain significance for Hereditary cancer-predisposing syndrome. Last evaluated: 2025-05-03. Review status: criteria provided, single submitter. Criteria: Ambry Variant Classification Scheme 2023. Collection method: clinical testing. Allele origin: germline.
Comment: The p.P1454L variant (also known as c.4361C>T), located in coding exon 10 of the BRCA2 gene, results from a C to T substitution at nucleotide position 4361. The proline at codon 1454 is replaced by leucine, an amino acid with similar properties. This amino acid position is poorly conserved in available vertebrate species. In addition, this alteration is predicted to be tolerated by in silico analysis. Since supporting evidence is limited at this time, the clinical significance of this alteration remains unclear.

University of Washington Department of Laboratory Medicine, University of Washington
Classification: Likely benign for Hereditary cancer-predisposing syndrome. Last evaluated: 2023-03-23. Review status: criteria provided, single submitter. Criteria: Dines et al. (Genet Med. 2020). Collection method: curation. Allele origin: germline.
Comment: Missense variant in a coldspot region where missense variants are very unlikely to be pathogenic (PMID:31911673).

BRCA2 exon 11 coldspot. Reclassification based on statistical prior probability.

NM_000059.4(BRCA2):c.4361C>T (p.Pro1454Leu)

Gene: BRCA2 (BRCA2 DNA repair associated; plus strand). Cytogenetic location: 13q13.1.
Variant type: single nucleotide variant.
Coding change: c.4361C>T on transcript NM_000059.4 (MANE Select); coding-DNA position 4361, C replaced by T.
Protein change: p.Pro1454Leu; replaces proline 1454 with leucine.
Molecular consequence: missense variant.
Genome position (GRCh38, 1-based): chr13:32,338,716, C>T. VCF-style: chr13-32338716-C-T. GRCh37 (hg19) VCF-style: chr13-32912853-C-T.
Other names: c.4361C>T, p.Pro1454Leu (NM_001406719.1, NM_001406720.1); short protein forms P1454L.
Identifiers: ClinVar variation 1740019 (VCV001740019.5), dbSNP rs760773155, ClinGen allele CA6940775.